The following is an entry in ClinVar:

NM_006231.4(POLE):c.3917C>T (p.Ala1306Val)

Gene: POLE (DNA polymerase epsilon, catalytic subunit; minus strand). Cytogenetic location: 12q24.33.
Variant type: single nucleotide variant.
Coding change: c.3917C>T on transcript NM_006231.4 (MANE Select); coding-DNA position 3917, C replaced by T.
Protein change: p.Ala1306Val; replaces alanine 1306 with valine.
Molecular consequence: missense variant.
Genome position (GRCh38, 1-based): chr12:132,649,394, G>A on the plus strand (C>T on the coding strand, the complement: POLE is on the minus strand). VCF-style: chr12-132649394-G-A. GRCh37 (hg19) VCF-style: chr12-133225980-G-A.
Other names: short protein forms A1306V.
Identifiers: ClinVar variation 4672190 (VCV004672190.1).

ClinVar aggregate classification (germline): Uncertain significance (1 of 4 stars; one submission).

Conditions:
Hereditary cancer-predisposing syndrome. Also called: Neoplastic Syndromes, Hereditary; Tumor predisposition; Hereditary Cancer Syndrome; Hereditary neoplastic syndrome. Identifiers: Orphanet 140162, MedGen C0027672, MeSH D009386, MONDO:0015356.

Submission:

Ambry Genetics
Classification: Uncertain significance for Hereditary cancer-predisposing syndrome. Last evaluated: 2025-11-01. Review status: criteria provided, single submitter. Criteria: Ambry Variant Classification Scheme 2023. Collection method: clinical testing. Allele origin: germline.
Comment: The p.A1306V variant (also known as c.3917C>T), located in coding exon 31 of the POLE gene, results from a C to T substitution at nucleotide position 3917. The alanine at codon 1306 is replaced by valine, an amino acid with similar properties. This amino acid position is conserved. In addition, this alteration is predicted to be tolerated by in silico analysis. Based on the available evidence, the clinical significance of this variant remains unclear.